The following is an entry in ClinVar:

ClinVar aggregate classification (germline): Likely benign (1 of 4 stars; one submission).

Submission:

CeGaT Center for Human Genetics Tuebingen
Classification: Likely benign. Last evaluated: 2026-02-01. Review status: criteria provided, single submitter. Criteria: CeGaT Center For Human Genetics Tuebingen Variant Classification Criteria Version 2. Collection method: clinical testing. Allele origin: germline. Affected: yes. Observed: 1 variant allele.
Comment: ARFGEF1: PM2:Supporting, BP4, BP7

NM_006421.5(ARFGEF1):c.1545C>T (p.Phe515=)

Gene: ARFGEF1 (ARF guanine nucleotide exchange factor 1; minus strand). Cytogenetic location: 8q13.2.
Variant type: single nucleotide variant.
Coding change: c.1545C>T on transcript NM_006421.5 (MANE Select); coding-DNA position 1545, C replaced by T.
Protein change: p.Phe515=; no amino-acid change (phenylalanine 515 retained).
Molecular consequence: synonymous variant. On other transcripts: non-coding transcript variant (1).
Genome position (GRCh38, 1-based): chr8:67,271,729, G>A on the plus strand (C>T on the coding strand, the complement: ARFGEF1 is on the minus strand). VCF-style: chr8-67271729-G-A. GRCh37 (hg19) VCF-style: chr8-68183964-G-A.
Other names: c.1545C>T, p.Phe515= (NM_001413195.1, NM_001413184.1, NM_001413185.1 and 7 more transcripts); c.120C>T, p.Phe40= (NM_001413196.1); c.945C>T, p.Phe315= (NM_001413197.1, NM_001413188.1, NM_001413193.1).
Identifiers: ClinVar variation 4823273 (VCV004823273.4).
Genomic context (GRCh38, chr8:67,271,729, plus strand): 5'-AATAGTAACATTATGCCTAAATGCAAAACGTACCTCAATTTGCATCTTCAGATGTGTCTT[G>A]AAATTTGACAACAAAGTAAGAAATATAGAAAGAGAAAGCTCAAAAACCTCTGGAACAGAT-3'
Protein context (NP_006412.2, residues 505-525): LSIFLTLLSN[Phe515=]KTHLKMQIEV